The following is an entry in ClinVar:

NM_001270.4(CHD1):c.1193C>G (p.Ser398Cys)

Gene: CHD1 (chromodomain helicase DNA binding protein 1; minus strand). Cytogenetic location: 5q15.
Variant type: single nucleotide variant.
Coding change: c.1193C>G on transcript NM_001270.4 (MANE Select); coding-DNA position 1193, C replaced by G.
Protein change: p.Ser398Cys; replaces serine 398 with cysteine.
Molecular consequence: missense variant. On other transcripts: non-coding transcript variant (2).
Genome position (GRCh38, 1-based): chr5:98,898,428, G>C on the plus strand (C>G on the coding strand, the complement: CHD1 is on the minus strand). VCF-style: chr5-98898428-G-C. GRCh37 (hg19) VCF-style: chr5-98234132-G-C.
Other names: c.1193C>G, p.Ser398Cys (NM_001364113.3, NM_001376194.2); short protein forms S398C.
Identifiers: ClinVar variation 4534875 (VCV004534875.6).

ClinVar aggregate classification (germline): Uncertain significance (1 of 4 stars; one submission).

Submission:

CeGaT Center for Human Genetics Tuebingen
Classification: Uncertain significance. Last evaluated: 2025-10-01. Review status: criteria provided, single submitter. Criteria: CeGaT Center For Human Genetics Tuebingen Variant Classification Criteria Version 2. Collection method: clinical testing. Allele origin: germline. Affected: yes. Observed: 1 variant allele.
Comment: CHD1: PM2, PP3